The following is an entry in ClinVar:

NM_024334.3(TMEM43):c.298-14G>T

Gene: TMEM43 (transmembrane protein 43; plus strand). Cytogenetic location: 3p25.1.
Variant type: single nucleotide variant.
Coding change: c.298-14G>T on transcript NM_024334.3 (MANE Select); 14 bases into the intron before coding-DNA position 298, G replaced by T.
Molecular consequence: intron variant.
Genome position (GRCh38, 1-based): chr3:14,131,566, G>T. VCF-style: chr3-14131566-G-T. GRCh37 (hg19) VCF-style: chr3-14173066-G-T.
Other names: c.298-14G>T (NM_001407274.1, NM_001407276.1, NM_001407275.1 and 2 more transcripts); c.283-14G>T (NM_001407278.1); c.148-14G>T (NM_001407280.1).
Identifiers: ClinVar variation 3073007 (VCV003073007.1), dbSNP rs2470181404, ClinGen allele CA1045277271.

ClinVar aggregate classification (germline): Uncertain significance (1 of 4 stars; one submission).

Conditions:
Arrhythmogenic right ventricular dysplasia 5. Also called: Arrhythmogenic Right Ventricular Dysplasia/Cardiomyopathy 5; ARRHYTHMOGENIC RIGHT VENTRICULAR DYSPLASIA, FAMILIAL, 5. Identifiers: MedGen C1858379, MONDO:0011459, OMIM 604400.

Submission:

All of Us Research Program, National Institutes of Health
Classification: Uncertain significance for Arrhythmogenic right ventricular dysplasia 5. Last evaluated: 2023-08-15. Review status: criteria provided, single submitter. Criteria: ACMG Guidelines, 2015. Collection method: clinical testing. Allele origin: germline. Inheritance: Autosomal dominant inheritance. Observed: 1 variant allele, 1 heterozygote.
Comment: This variant causes a G to T nucleotide substitution at the -14 position of intron 3 of the TMEM43 gene. To our knowledge, functional studies have not been reported for this variant. This variant has not been reported in individuals affected with TMEM43-related disorders in the literature. This variant has not been identified in the general population by the Genome Aggregation Database (gnomAD). The available evidence is insufficient to determine the role of this variant in disease conclusively. Therefore, this variant is classified as a Variant of Uncertain Significance.

This study involves interpretation of variants in research participants for the purpose of population health screening. Participant phenotype was not available at the time of variant classification. Additional details can be found in publication PMID: 35346344, PMCID: PMC8962531